The following is an entry in ClinVar:

NM_003060.4(SLC22A5):c.694A>G (p.Thr232Ala)

Gene: SLC22A5 (solute carrier family 22 member 5; plus strand). Cytogenetic location: 5q31.1.
Variant type: single nucleotide variant.
Coding change: c.694A>G on transcript NM_003060.4 (MANE Select); coding-DNA position 694, A replaced by G.
Protein change: p.Thr232Ala; replaces threonine 232 with alanine.
Molecular consequence: missense variant.
Genome position (GRCh38, 1-based): chr5:132,385,369, A>G. VCF-style: chr5-132385369-A-G. GRCh37 (hg19) VCF-style: chr5-131721061-A-G.
Other names: c.766A>G, p.Thr256Ala (NM_001308122.2); c.694A>G (NM_003060.3); short protein forms T232A, T256A.
Identifiers: ClinVar variation 1486807 (VCV001486807.11), dbSNP rs188698686, ClinGen allele CA3403952.
Genomic context (GRCh38, chr5:132,385,369, plus strand): 5'-CCTCCCTTGTTTTGAACAGGGACAGAAATTCTTGGCAAGTCAGTTCGTATAATATTCTCT[A>G]CGTTAGGAGTGTGCATATTTTATGCATTTGGCTACATGGTGCTGCCACTGTTTGCTTACT-3'
Protein context (NP_003051.1, residues 222-242): LGKSVRIIFS[Thr232Ala]LGVCIFYAFG

ClinVar aggregate classification (germline): Conflicting classifications of pathogenicity. Review status: criteria provided, conflicting classifications (1 of 4 stars). 5 submissions from 5 submitters: Likely pathogenic (3); Uncertain significance (2). Last evaluated 2026-06-10.

Conditions:
Carnitine deficiency. Identifiers: MedGen C1142132.
Renal carnitine transport defect (CDSP). Also called: Carnitine Deficiency, Systemic; Primary carnitine deficiency; CARNITINE DEFICIENCY, SYSTEMIC, DUE TO DEFECT IN RENAL REABSORPTION OF CARNITINE; CARNITINE TRANSPORTER, PLASMA-MEMBRANE, DEFICIENCY OF; CARNITINE UPTAKE DEFECT; Systemic primary carnitine deficiency disease. Identifiers: Orphanet 158, MedGen C0342788, MONDO:0008919, OMIM 212140.

Allele frequency attached by ClinVar (database versions not stated): TOPMed 0.00002; 1000 Genomes Project 0.00020; 1000 Genomes Project 30x 0.00031; gnomAD 0.00001 and 0.00002; gnomAD exomes 0.00001 and 0.00002; ExAC 0.00002.
gnomAD v4.1: 14 of 1,614,060 alleles (0.00087%); highest among the groups gnomAD compares: Admixed American, 0.012%; no homozygotes.

Submissions (5):

Myriad Genetics, Inc.
Classification: Uncertain significance for Renal carnitine transport defect. Last evaluated: 2026-06-10. Review status: criteria provided, single submitter. Criteria: Myriad Autosomal Dominant, Autosomal Recessive and X-Linked Classification Criteria (2023). Collection method: clinical testing. Allele origin: unknown.
Comment: NM_003060.3(SLC22A5):c.694A>G(T232A) is a missense variant classified as a variant of uncertain significance in the context of primary carnitine deficiency. T232A has been observed in cases with relevant disease (PMID: 33560599, 40069787). Relevant functional assessments of this variant are not available in the literature. T232A has been observed in referenced population frequency databases. In summary, there is insufficient evidence to classify NM_003060.3(SLC22A5):c.694A>G(T232A) as pathogenic or benign. Please note: this variant was assessed in the context of healthy population screening.

Labcorp Genetics (formerly Invitae), Labcorp
Classification: Likely pathogenic for Renal carnitine transport defect. Last evaluated: 2025-10-31. Review status: criteria provided, single submitter. Criteria: Invitae Variant Classification Sherloc (09022015). Collection method: clinical testing. Allele origin: germline.
Comment: This sequence change replaces threonine, which is neutral and polar, with alanine, which is neutral and non-polar, at codon 232 of the SLC22A5 protein (p.Thr232Ala). This variant is present in population databases (rs188698686, gnomAD 0.02%). This missense change has been observed in individual(s) with primary carnitine deficiency (PMID: 33560599, 40069787). ClinVar contains an entry for this variant (Variation ID: 1486807). Invitae Evidence Modeling of protein sequence and biophysical properties (such as structural, functional, and spatial information, amino acid conservation, physicochemical variation, residue mobility, and thermodynamic stability) has been performed for this missense variant. However, the output from this modeling did not meet the statistical confidence thresholds required to predict the impact of this variant on SLC22A5 protein function. This variant disrupts the p.Thr232 amino acid residue in SLC22A5. Other variant(s) that disrupt this residue have been determined to be pathogenic (PMID: 15714519, 20574985, 23520115). This suggests that this residue is clinically significant, and that variants that disrupt this residue are likely to be disease-causing. In summary, the currently available evidence indicates that the variant is pathogenic, but additional data are needed to prove that conclusively. Therefore, this variant has been classified as Likely Pathogenic.

Natera, Inc.
Classification: Likely pathogenic for Carnitine deficiency. Last evaluated: 2025-10-02. Review status: criteria provided, single submitter. Criteria: Natera Variant Classification Schema (03/2026). Collection method: clinical testing. Allele origin: germline.
Comment: The c.694A>G variant in SLC22A5 is a missense variant predicted to cause substitution of threonine to alanine at amino acid 232. This variant is rare in the general population with a frequency below the threshold expected for the associated phenotype(s). This variant has been observed in one or more individuals affected with the associated recessive disease, as either homozygous or compound heterozygous with a second variant (PMID: 40069787). A different variant at the same position has been determined to be Pathogenic or Likely Pathogenic. Computational prediction algorithms indicate this variant is likely to affect gene or protein function. Given the available evidence, this variant is classified as Likely Pathogenic.

Women's Health and Genetics/Laboratory Corporation of America, LabCorp
Classification: Uncertain significance. Last evaluated: 2023-07-31. Review status: criteria provided, single submitter. Criteria: LabCorp Variant Classification Summary - May 2015. Collection method: clinical testing. Allele origin: germline.
Comment: Variant summary: SLC22A5 c.694A>G (p.Thr232Ala) results in a non-conservative amino acid change in the encoded protein sequence. Two of three in-silico tools predict a damaging effect of the variant on protein function. The variant allele was found at a frequency of 1.6e-05 in 251484 control chromosomes (gnomAD). The available data on variant occurrences in the general population are insufficient to allow any conclusion about variant significance. c.694A>G has been reported in the literature in a compound heterozygous individual affected with Systemic Primary Carnitine Deficiency, who carried pathogenic variant in trans (Chen_2021). To our knowledge, no experimental evidence demonstrating an impact on protein function has been reported. However, a different variant affecting the same amino acid residue (p.Thr232Met) has been classified as pathogenic by our laboratory. The following publication has been ascertained in the context of this evaluation (PMID: 33560599). One submitter has cited clinical-significance assessments for this variant to ClinVar after 2014 and has classified the variant as likely pathogenic. Based on the evidence outlined above, the variant was classified as VUS-possibly pathogenic.

Juno Genomics, Hangzhou Juno Genomics, Inc
Classification: Likely pathogenic for Renal carnitine transport defect. Review status: criteria provided, single submitter. Criteria: ACMG Guidelines, 2015. Collection method: clinical testing. Allele origin: germline.
Comment: Absent from controls (or at extremely low frequency if recessive) in Genome Aggregation Database.;Novel missense change at an amino acid residue where a different missense change determined to be pathogenic has been seen before.;For recessive disorders, detected in trans with a pathogenic variant.;Patient's phenotype or family history is highly specific for a disease with a single genetic etiology.

Literature cited by the submitters: PubMed 33560599 (cited by 3 submitters); PubMed 40069787 (cited by 3 submitters); PubMed 15714519 (cited by Labcorp Genetics (formerly Invitae), Labcorp); PubMed 20574985 (cited by Labcorp Genetics (formerly Invitae), Labcorp); PubMed 23520115 (cited by Labcorp Genetics (formerly Invitae), Labcorp).